The following is an entry in ClinVar:

ClinVar aggregate classification (germline): Uncertain significance. Review status: criteria provided, multiple submitters, no conflicts (2 of 4 stars). 2 submissions from 2 submitters: Uncertain significance (2). Last evaluated 2024-12-30.

Conditions:
Inborn genetic diseases. Identifiers: MedGen C0950123, MeSH D030342.
Hereditary sensory and autonomic neuropathy type 7. Also called: Neuropathy, hereditary sensory and autonomic, type VII; HSAN VII. Identifiers: Orphanet 391397, MedGen C3809882, MONDO:0014244, OMIM 615548.
Familial episodic pain syndrome with predominantly lower limb involvement. Also called: Episodic pain syndrome, familial, 3. Identifiers: Orphanet 391384, Orphanet 391392, MedGen C3809899, MONDO:0014247, OMIM 615552.

Allele frequency attached by ClinVar (database versions not stated): gnomAD 0.00001; ExAC 0.00002; TOPMed 0.00002.
gnomAD v4.1: 23 of 1,612,638 alleles (0.0014%); highest among the groups gnomAD compares: South Asian, 0.0077%; no homozygotes.

Submissions (2):

Labcorp Genetics (formerly Invitae), Labcorp
Classification: Uncertain significance for Familial episodic pain syndrome with predominantly lower limb involvement; Hereditary sensory and autonomic neuropathy type 7. Last evaluated: 2024-12-30. Review status: criteria provided, single submitter. Criteria: Invitae Variant Classification Sherloc (09022015). Collection method: clinical testing. Allele origin: germline.
Comment: This sequence change replaces threonine, which is neutral and polar, with methionine, which is neutral and non-polar, at codon 957 of the SCN11A protein (p.Thr957Met). This variant is present in population databases (rs752776956, gnomAD 0.007%). This variant has not been reported in the literature in individuals affected with SCN11A-related conditions. ClinVar contains an entry for this variant (Variation ID: 1063421). An algorithm developed to predict the effect of missense changes on protein structure and function outputs the following: PolyPhen-2: "Benign". The methionine amino acid residue is found in multiple mammalian species, which suggests that this missense change does not adversely affect protein function. In summary, the available evidence is currently insufficient to determine the role of this variant in disease. Therefore, it has been classified as a Variant of Uncertain Significance.

Ambry Genetics
Classification: Uncertain significance for Inborn genetic diseases. Last evaluated: 2021-08-04. Review status: criteria provided, single submitter. Criteria: Ambry Variant Classification Scheme 2023. Collection method: clinical testing. Allele origin: germline.
Comment: The p.T957M variant (also known as c.2870C>T), located in coding exon 16 of the SCN11A gene, results from a C to T substitution at nucleotide position 2870. The threonine at codon 957 is replaced by methionine, an amino acid with similar properties. This amino acid position is conserved. In addition, this alteration is predicted to be tolerated by in silico analysis. Since supporting evidence is limited at this time, the clinical significance of this alteration remains unclear.

NM_001349253.2(SCN11A):c.2870C>T (p.Thr957Met)

Gene: SCN11A (sodium voltage-gated channel alpha subunit 11; minus strand). Cytogenetic location: 3p22.2.
Variant type: single nucleotide variant.
Coding change: c.2870C>T on transcript NM_001349253.2 (MANE Select); coding-DNA position 2870, C replaced by T.
Protein change: p.Thr957Met; replaces threonine 957 with methionine.
Molecular consequence: missense variant.
Genome position (GRCh38, 1-based): chr3:38,886,204, G>A on the plus strand (C>T on the coding strand, the complement: SCN11A is on the minus strand). VCF-style: chr3-38886204-G-A. GRCh37 (hg19) VCF-style: chr3-38927695-G-A.
Other names: c.2870C>T, p.Thr957Met (NM_014139.3); short protein forms T957M.
Identifiers: ClinVar variation 1063421 (VCV001063421.7), dbSNP rs752776956, ClinGen allele CA2321934.
Genomic context (GRCh38, chr3:38,886,204, plus strand): 5'-GTCAGATGAGGCTCATCTTCAGAGAACATGTCAATTTCCACACTTTGAACTCTCTGGCTC[G>A]TGGGCTTCTTGTTCTCCTGATGGAGCTCATAGGCCTAACACAGAGAGCCCAGAATAGAAT-3'
Protein context (NP_001336182.1, residues 947-967): YELHQENKKP[Thr957Met]SQRVQSVEID